The following is an entry in ClinVar:

NM_004369.4(COL6A3):c.5839-9T>G

Gene: COL6A3 (collagen type VI alpha 3 chain; minus strand). Cytogenetic location: 2q37.3.
Variant type: single nucleotide variant.
Coding change: c.5839-9T>G on transcript NM_004369.4 (MANE Select); 9 bases into the intron before coding-DNA position 5839, T replaced by G.
Molecular consequence: intron variant.
Genome position (GRCh38, 1-based): chr2:237,364,437, A>C on the plus strand (T>G on the coding strand, the complement: COL6A3 is on the minus strand). VCF-style: chr2-237364437-A-C. GRCh37 (hg19) VCF-style: chr2-238273080-A-C.
Other names: c.4018-9T>G (NM_057166.5); c.5221-9T>G (NM_057167.4).
Identifiers: ClinVar variation 2905738 (VCV002905738.3), dbSNP rs745307761, ClinGen allele CA2188552.

ClinVar aggregate classification (germline): Uncertain significance (1 of 4 stars; one submission).

Conditions:
Bethlem myopathy 1A. Also called: MYOPATHY, BENIGN CONGENITAL, WITH CONTRACTURES; Bethlem myopathy 1; Bethlem Muscular Dystrophy. Identifiers: Orphanet 610, MedGen CN029274, MONDO:0024530, OMIM 158810.

gnomAD v4.1: 2 of 1,608,888 alleles (0.00012%); highest among the groups gnomAD compares: East Asian, 0.0045%; no homozygotes.

Submission:

Labcorp Genetics (formerly Invitae), Labcorp
Classification: Uncertain significance for Bethlem myopathy 1A. Last evaluated: 2023-10-17. Review status: criteria provided, single submitter. Criteria: Invitae Variant Classification Sherloc (09022015). Collection method: clinical testing. Allele origin: germline.
Comment: This sequence change falls in intron 12 of the COL6A3 gene. It does not directly change the encoded amino acid sequence of the COL6A3 protein. This variant is present in population databases (rs745307761, gnomAD 0.04%). This variant has not been reported in the literature in individuals affected with COL6A3-related conditions. Algorithms developed to predict the effect of sequence changes on RNA splicing suggest that this variant may create or strengthen a splice site. In summary, the available evidence is currently insufficient to determine the role of this variant in disease. Therefore, it has been classified as a Variant of Uncertain Significance.